The following is an entry in ClinVar:

NM_005120.3(MED12):c.2759C>T (p.Thr920Ile)

Gene: MED12 (mediator complex subunit 12; plus strand). Cytogenetic location: Xq13.1.
Variant type: single nucleotide variant.
Coding change: c.2759C>T on transcript NM_005120.3 (MANE Select); coding-DNA position 2759, C replaced by T.
Protein change: p.Thr920Ile; replaces threonine 920 with isoleucine.
Molecular consequence: missense variant.
Genome position (GRCh38, 1-based): chrX:71,127,042, C>T. VCF-style: chrX-71127042-C-T. GRCh37 (hg19) VCF-style: chrX-70346892-C-T.
Other names: c.2759C>T (NM_005120.2); short protein forms T920I.
Identifiers: ClinVar variation 2050595 (VCV002050595.6), dbSNP rs778697440, ClinGen allele CA10444402.

ClinVar aggregate classification (germline): Uncertain significance. Review status: criteria provided, multiple submitters, no conflicts (2 of 4 stars). 3 submissions from 3 submitters: Uncertain significance (3). Last evaluated 2024-12-19.

Conditions:
FG syndrome 1 (OKS). Also called: OPITZ-KAVEGGIA SYNDROME; KELLER SYNDROME; MENTAL RETARDATION, LARGE HEAD, IMPERFORATE ANUS, CONGENITAL HYPOTONIA, AND PARTIAL AGENESIS OF CORPUS CALLOSUM; FG Syndrome Type 1 (FGS1). Identifiers: Orphanet 93932, MedGen C5399762, MONDO:0010590, OMIM 305450.
FG syndrome (FGS). Identifiers: MedGen C0220769, MONDO:0002010.

Allele frequency attached by ClinVar (database versions not stated): gnomAD exomes below 0.00001; ExAC 0.00001; gnomAD 0.00001; TOPMed 0.00001; 1000 Genomes Project 30x 0.00021; 1000 Genomes Project 0.00026.
gnomAD v4.1: 5 of 1,210,521 alleles (0.00041%); highest among the groups gnomAD compares: Admixed American, 0.0065%; no homozygotes.

Submissions (3):

Genomic Medicine Center of Excellence, King Faisal Specialist Hospital and Research Centre
Classification: Uncertain significance for FG syndrome 1. Last evaluated: 2024-12-19. Review status: criteria provided, single submitter. Criteria: ACMG Guidelines, 2015. Collection method: clinical testing. Allele origin: germline.

GeneDx
Classification: Uncertain significance. Last evaluated: 2024-11-30. Review status: criteria provided, single submitter. Criteria: GeneDx Variant Classification Process June 2021. Collection method: clinical testing. Allele origin: germline. Affected: yes.
Comment: In silico analysis supports that this missense variant has a deleterious effect on protein structure/function; Has not been previously published as pathogenic or benign to our knowledge

Labcorp Genetics (formerly Invitae), Labcorp
Classification: Uncertain significance for FG syndrome. Last evaluated: 2021-12-04. Review status: criteria provided, single submitter. Criteria: Invitae Variant Classification Sherloc (09022015). Collection method: clinical testing. Allele origin: germline.
Comment: In summary, the available evidence is currently insufficient to determine the role of this variant in disease. Therefore, it has been classified as a Variant of Uncertain Significance. This sequence change replaces threonine, which is neutral and polar, with isoleucine, which is neutral and non-polar, at codon 920 of the MED12 protein (p.Thr920Ile). This variant is present in population databases (rs778697440, gnomAD 0.008%). This variant has not been reported in the literature in individuals affected with MED12-related conditions. Advanced modeling of protein sequence and biophysical properties (such as structural, functional, and spatial information, amino acid conservation, physicochemical variation, residue mobility, and thermodynamic stability) performed at Invitae indicates that this missense variant is expected to disrupt MED12 protein function.